The following is an entry in ClinVar:

NM_005198.5(CHKB):c.439T>G (p.Tyr147Asp)

Genes: CHKB-CPT1B (CHKB-CPT1B readthrough (NMD candidate); minus strand), CHKB (choline kinase beta; minus strand). Cytogenetic location: 22q13.33.
Variant type: single nucleotide variant.
Coding change: c.439T>G on transcript NM_005198.5 (MANE Select); coding-DNA position 439, T replaced by G.
Protein change: p.Tyr147Asp; replaces tyrosine 147 with aspartic acid.
Molecular consequence: missense variant. On other transcripts: non-coding transcript variant (1).
Genome position (GRCh38, 1-based): chr22:50,581,757, A>C on the plus strand (T>G on the coding strand, the complement: CHKB is on the minus strand). VCF-style: chr22-50581757-A-C. GRCh37 (hg19) VCF-style: chr22-51020186-A-C.
Other names: short protein forms Y147D.
Identifiers: ClinVar variation 659567 (VCV000659567.10), dbSNP rs1603443753, ClinGen allele CA412201116.

ClinVar aggregate classification (germline): Uncertain significance (1 of 4 stars; one submission).

Conditions:
Megaconial type congenital muscular dystrophy (MDCMC). Also called: CHKB-Related Muscular Dystrophy; CHKB-Related Muscle Diseases; MUSCULAR DYSTROPHY, CONGENITAL, WITH MITOCHONDRIAL STRUCTURAL ABNORMALITIES. Identifiers: Orphanet 280671, MedGen C1865233, MONDO:0011246, OMIM 602541.

Submission:

Labcorp Genetics (formerly Invitae), Labcorp
Classification: Uncertain significance for Megaconial type congenital muscular dystrophy. Last evaluated: 2022-08-09. Review status: criteria provided, single submitter. Criteria: Invitae Variant Classification Sherloc (09022015). Collection method: clinical testing. Allele origin: germline.
Comment: This variant is not present in population databases (gnomAD no frequency). This variant has not been reported in the literature in individuals affected with CHKB-related conditions. ClinVar contains an entry for this variant (Variation ID: 659567). Algorithms developed to predict the effect of missense changes on protein structure and function are either unavailable or do not agree on the potential impact of this missense change (SIFT: "Deleterious"; PolyPhen-2: "Probably Damaging"; Align-GVGD: "Class C0"). Algorithms developed to predict the effect of sequence changes on RNA splicing suggest that this variant may disrupt the consensus splice site. In summary, the available evidence is currently insufficient to determine the role of this variant in disease. Therefore, it has been classified as a Variant of Uncertain Significance. This sequence change replaces tyrosine, which is neutral and polar, with aspartic acid, which is acidic and polar, at codon 147 of the CHKB protein (p.Tyr147Asp).